The following is an entry in ClinVar:

ClinVar aggregate classification (germline): Pathogenic (1 of 4 stars; one submission).

Conditions:
Diamond-Blackfan anemia. Also called: Blackfan Diamond syndrome; Aregenerative anemia chronic congenital; Red cell aplasia, pure hereditary; Congenital hypoplastic anemia; Aase syndrome. Identifiers: Orphanet 124, MedGen C1260899, MeSH D029503, MONDO:0015253, HP:0004810.
GATA binding protein 1 related thrombocytopenia with dyserythropoiesis. Also called: GATA1-Related Cytopenia; GATA1-Related X-Linked Cytopenia. Identifiers: MedGen C1845837, MONDO:0100089.

Submission:

Labcorp Genetics (formerly Invitae), Labcorp
Classification: Pathogenic for GATA binding protein 1 related thrombocytopenia with dyserythropoiesis; Diamond-Blackfan anemia. Last evaluated: 2025-10-14. Review status: criteria provided, single submitter. Criteria: Invitae Variant Classification Sherloc (09022015). Collection method: clinical testing. Allele origin: germline.
Comment: This sequence change creates a premature translational stop signal (p.Tyr63Profs*76) in the GATA1 gene. It is expected to result in an absent or disrupted protein product. Loss-of-function variants in GATA1 are known to be pathogenic (PMID: 16783379, 22706301, 23704091, 24453067). This variant is not present in population databases (gnomAD no frequency). This variant has not been reported in the literature in individuals affected with GATA1-related conditions. For these reasons, this variant has been classified as Pathogenic.

Literature cited by the submitters: PubMed 16783379; PubMed 22706301; PubMed 23704091; PubMed 24453067.

NM_002049.4(GATA1):c.182_186dup (p.Tyr63fs)

Gene: GATA1 (GATA binding protein 1; plus strand). Cytogenetic location: Xp11.23.
Variant type: Duplication.
Coding change: c.182_186dup on transcript NM_002049.4 (MANE Select); coding-DNA positions 182 to 186, 5 bases duplicated (CCTAC; older notation c.182_186dupCCTAC).
Protein change: p.Tyr63fs; shifts the reading frame from tyrosine 63.
Molecular consequence: frameshift variant.
Genome position (GRCh38, 1-based): chrX:48,791,291-48,791,295, CCTAC duplicated. VCF-style (leftmost placement, unchanged base first): chrX-48791290-G-GCCTAC. GRCh37 (hg19) VCF-style: chrX-48649697-G-GCCTAC.
Other names: short protein forms Y63fs.
Identifiers: ClinVar variation 4786428 (VCV004786428.1).